The following is an entry in ClinVar:

NM_000256.3(MYBPC3):c.3794_3797del (p.Glu1265fs)

Gene: MYBPC3 (myosin binding protein C3; minus strand). Cytogenetic location: 11p11.2.
Variant type: Deletion.
Coding change: c.3794_3797del on transcript NM_000256.3 (MANE Select); coding-DNA positions 3794 to 3797, 4 bases deleted (AGTG; older notation c.3794_3797delAGTG).
Protein change: p.Glu1265fs; shifts the reading frame from glutamic acid 1265.
Molecular consequence: frameshift variant.
Genome position (GRCh38, 1-based): chr11:47,332,089-47,332,092, CACT deleted on the plus strand (AGTG on the coding strand, the reverse complement: MYBPC3 is on the minus strand); deleting any 4 consecutive bases within chr11:47,332,089-47,332,095 gives the same sequence; the c. name uses the placement nearest the transcript's 3' end. VCF-style (leftmost placement, unchanged base first): chr11-47332088-GCACT-G. GRCh37 (hg19) VCF-style: chr11-47353639-GCACT-G.
Other names: short protein forms E1265fs.
Identifiers: ClinVar variation 4292248 (VCV004292248.2).

ClinVar aggregate classification (germline): Pathogenic (1 of 4 stars; one submission).

Conditions:
Hypertrophic cardiomyopathy 4. Also called: Familial hypertrophic cardiomyopathy 4. Identifiers: MedGen C1861862, MONDO:0007268, OMIM 115197.

Submission:

3billion
Classification: Pathogenic for Hypertrophic cardiomyopathy 4. Last evaluated: 2025-08-13. Review status: criteria provided, single submitter. Criteria: ACMG Guidelines, 2015. Collection method: clinical testing. Allele origin: germline. Affected: yes.
Comment: The variant is not observed in the gnomAD v4.1.0 dataset. Predicted Consequence/Location: Frameshift: predicted to result in a loss or disruption of normal protein function through nonsense-mediated decay (NMD) or protein truncation. Multiple pathogenic variants are reported downstream of the variant. The variant has been reported to be associated with MYBPC3-related disorder (3billion dataset). Therefore, this variant is classified as Pathogenic according to the recommendation of ACMG/AMP guideline.